The following is an entry in ClinVar:

ClinVar aggregate classification (germline): Uncertain significance. Review status: criteria provided, multiple submitters, no conflicts (2 of 4 stars). 2 submissions from 2 submitters: Uncertain significance (2). Last evaluated 2025-09-05.

Conditions:
Early-infantile DEE. Also called: Ohtahara syndrome; Early infantile epileptic encephalopathy; Early infantile epileptic encephalopathy with suppression bursts. Identifiers: Orphanet 1934, MedGen C0393706, MONDO:0800491.

gnomAD v4.1: 13 of 1,611,840 alleles (0.00081%); highest among the groups gnomAD compares: East Asian, 0.0022%; no homozygotes.

Submissions (2):

Labcorp Genetics (formerly Invitae), Labcorp
Classification: Uncertain significance for Early-infantile DEE. Last evaluated: 2025-09-05. Review status: criteria provided, single submitter. Criteria: Invitae Variant Classification Sherloc (09022015). Collection method: clinical testing. Allele origin: germline.
Comment: This sequence change replaces valine, which is neutral and non-polar, with methionine, which is neutral and non-polar, at codon 793 of the KCNQ2 protein (p.Val793Met). This variant is present in population databases (rs377227909, gnomAD 0.005%). This missense change has been observed in individuals with clinical features of KCNQ2-related conditions (PMID: 37432431; internal data). ClinVar contains an entry for this variant (Variation ID: 1025174). Invitae Evidence Modeling of protein sequence and biophysical properties (such as structural, functional, and spatial information, amino acid conservation, physicochemical variation, residue mobility, and thermodynamic stability) has been performed for this missense variant. However, the output from this modeling did not meet the statistical confidence thresholds required to predict the impact of this variant on KCNQ2 protein function. In summary, the available evidence is currently insufficient to determine the role of this variant in disease. Therefore, it has been classified as a Variant of Uncertain Significance.

Athena Diagnostics
Classification: Uncertain significance. Last evaluated: 2020-08-11. Review status: criteria provided, single submitter. Criteria: Athena Diagnostics Criteria. Collection method: clinical testing. Allele origin: unknown.
Comment: This observation is not an independent occurrence and has been identified in the same individual by RCIGM, the other laboratory participating in the GEMINI study.

Literature cited by the submitters: PubMed 37432431 (cited by Labcorp Genetics (formerly Invitae), Labcorp).

NM_172107.4(KCNQ2):c.2377G>A (p.Val793Met)

Gene: KCNQ2 (potassium voltage-gated channel subfamily Q member 2; minus strand). Cytogenetic location: 20q13.33.
Variant type: single nucleotide variant.
Coding change: c.2377G>A on transcript NM_172107.4 (MANE Select); coding-DNA position 2377, G replaced by A.
Protein change: p.Val793Met; replaces valine 793 with methionine.
Molecular consequence: missense variant.
Genome position (GRCh38, 1-based): chr20:63,406,886, C>T on the plus strand (G>A on the coding strand, the complement: KCNQ2 is on the minus strand). VCF-style: chr20-63406886-C-T. GRCh37 (hg19) VCF-style: chr20-62038239-C-T.
Other names: c.2431G>A, p.Val811Met (NM_001382235.1); c.2293G>A, p.Val765Met (NM_004518.6); c.2323G>A, p.Val775Met (NM_172106.3); c.2284G>A, p.Val762Met (NM_172108.5); short protein forms V762M, V765M, V775M, V793M, V811M.
Identifiers: ClinVar variation 1025174 (VCV001025174.10), dbSNP rs377227909, ClinGen allele CA9958083.